The following is an entry in ClinVar:

NM_000264.5(PTCH1):c.2266_2272dup (p.Leu758fs)

Genes: PTCH1 (patched 1; minus strand), LOC100507346 (uncharacterized LOC100507346; plus strand). Cytogenetic location: 9q22.32.
Variant type: Duplication.
Coding change: c.2266_2272dup on transcript NM_000264.5 (MANE Select); coding-DNA positions 2266 to 2272, 7 bases duplicated (CTTTTTC; older notation c.2266_2272dupCTTTTTC).
Protein change: p.Leu758fs; shifts the reading frame from leucine 758.
Molecular consequence: frameshift variant. On other transcripts: non-coding transcript variant (1).
Genome position (GRCh38, 1-based): chr9:95,467,404-95,467,410, GAAAAAG duplicated on the plus strand (CTTTTTC on the coding strand, the reverse complement: PTCH1 is on the minus strand); duplicating any 7 consecutive bases within chr9:95,467,404-95,467,413 gives the same sequence; the c. name uses the placement nearest the transcript's 3' end. VCF-style (leftmost placement, unchanged base first): chr9-95467403-A-AGAAAAAG. GRCh37 (hg19) VCF-style: chr9-98229685-A-AGAAAAAG.
Other names: c.2068_2074dup, p.Leu692fs (NM_001083602.3); c.2263_2269dup, p.Leu757fs (NM_001083603.3); c.1813_1819dup, p.Leu607fs (NM_001083604.3, NM_001083605.3, NM_001083606.3 and 1 more transcripts); c.2110_2116dup, p.Leu706fs (NM_001354918.2); short protein forms L607fs, L692fs, L706fs, L758fs, L757fs.
Identifiers: ClinVar variation 1434951 (VCV001434951.6), dbSNP rs2117975028, ClinGen allele CA2573144878.

ClinVar aggregate classification (germline): Pathogenic (1 of 4 stars; one submission).

Conditions:
Gorlin syndrome. Also called: Basal cell nevus syndrome; Nevoid Basal Cell Carcinoma Syndrome. Identifiers: Orphanet 377, MedGen C0004779, MONDO:0007187.

Submission:

Labcorp Genetics (formerly Invitae), Labcorp
Classification: Pathogenic for Gorlin syndrome. Last evaluated: 2021-11-05. Review status: criteria provided, single submitter. Criteria: Invitae Variant Classification Sherloc (09022015). Collection method: clinical testing. Allele origin: germline.
Comment: This sequence change creates a premature translational stop signal (p.Leu758Profs*34) in the PTCH1 gene. It is expected to result in an absent or disrupted protein product. Loss-of-function variants in PTCH1 are known to be pathogenic (PMID: 16301862, 16419085). This variant is not present in population databases (gnomAD no frequency). This variant has not been reported in the literature in individuals affected with PTCH1-related conditions. For these reasons, this variant has been classified as Pathogenic.

Literature cited by the submitters: PubMed 16301862; PubMed 16419085.